The following is an entry in ClinVar:

ClinVar aggregate classification (germline): Likely pathogenic. Review status: criteria provided, multiple submitters, no conflicts (2 of 4 stars). 2 submissions from 2 submitters: Likely pathogenic (2). Last evaluated 2024-05-20.

Conditions:
Beta-D-mannosidosis (MANSB). Also called: MANNOSIDOSIS, BETA A, LYSOSOMAL; BETA-MANNOSIDASE DEFICIENCY; LYSOSOMAL BETA-MANNOSIDASE DEFICIENCY; Beta-Mannosidosis. Identifiers: Orphanet 118, MedGen C4048196, MONDO:0009562, OMIM 248510.
MANBA-related disorder. Also called: MANBA-related condition.

Allele frequency attached by ClinVar (database versions not stated): gnomAD exomes below 0.00001; ExAC 0.00001; gnomAD 0.00001; TOPMed 0.00001; ESP Exome Variant Server 0.00008.
gnomAD v4.1: 4 of 1,608,028 alleles (0.00025%); highest among the groups gnomAD compares: Non-Finnish European, 0.00034%; no homozygotes.

Submissions (2):

Blueprint Genetics
Classification: Likely pathogenic for MANBA-related disorders. Last evaluated: 2024-05-20. Review status: criteria provided, single submitter. Criteria: ACMG Guidelines, 2015. Collection method: clinical testing. Allele origin: germline. Affected: yes. Observed: 3 variant alleles.

Labcorp Genetics (formerly Invitae), Labcorp
Classification: Likely pathogenic for Beta-D-mannosidosis. Last evaluated: 2024-01-18. Review status: criteria provided, single submitter. Criteria: Invitae Variant Classification Sherloc (09022015). Collection method: clinical testing. Allele origin: germline.
Comment: This sequence change affects a donor splice site in intron 8 of the MANBA gene. It is expected to disrupt RNA splicing. Variants that disrupt the donor or acceptor splice site typically lead to a loss of protein function (PMID: 16199547), and loss-of-function variants in MANBA are known to be pathogenic (PMID: 9384606, 12468273). This variant is present in population databases (rs145931742, gnomAD 0.002%). This variant has not been reported in the literature in individuals affected with MANBA-related conditions. Algorithms developed to predict the effect of sequence changes on RNA splicing suggest that this variant may disrupt the consensus splice site. In summary, the currently available evidence indicates that the variant is pathogenic, but additional data are needed to prove that conclusively. Therefore, this variant has been classified as Likely Pathogenic.

Literature cited by the submitters: PubMed 16199547 (cited by Labcorp Genetics (formerly Invitae), Labcorp); PubMed 9384606 (cited by Labcorp Genetics (formerly Invitae), Labcorp); PubMed 12468273 (cited by Labcorp Genetics (formerly Invitae), Labcorp).

NM_005908.4(MANBA):c.1112+1G>T

Gene: MANBA (mannosidase beta; minus strand). Cytogenetic location: 4q24.
Variant type: single nucleotide variant.
Coding change: c.1112+1G>T on transcript NM_005908.4 (MANE Select); the canonical splice donor site of the intron after coding-DNA position 1112, G replaced by T.
Molecular consequence: splice donor variant.
Genome position (GRCh38, 1-based): chr4:102,673,918, C>A on the plus strand (G>T on the coding strand, the complement: MANBA is on the minus strand). VCF-style: chr4-102673918-C-A. GRCh37 (hg19) VCF-style: chr4-103595075-C-A.
Identifiers: ClinVar variation 2722009 (VCV002722009.4), dbSNP rs145931742, ClinGen allele CA3027022.